The following is an entry in ClinVar:

NM_004656.4(BAP1):c.2020T>C (p.Phe674Leu)

Gene: BAP1 (BRCA1 associated deubiquitinase 1; minus strand). Cytogenetic location: 3p21.1.
Variant type: single nucleotide variant.
Coding change: c.2020T>C on transcript NM_004656.4 (MANE Select); coding-DNA position 2020, T replaced by C.
Protein change: p.Phe674Leu; replaces phenylalanine 674 with leucine.
Molecular consequence: missense variant.
Genome position (GRCh38, 1-based): chr3:52,402,638, A>G on the plus strand (T>C on the coding strand, the complement: BAP1 is on the minus strand). VCF-style: chr3-52402638-A-G. GRCh37 (hg19) VCF-style: chr3-52436654-A-G.
Other names: c.1966T>C, p.Phe656Leu (NM_001410772.1); short protein forms F674L, F656L.
Identifiers: ClinVar variation 5032712 (VCV005032712.1).
Genomic context (GRCh38, chr3:52,402,638, plus strand): 5'-TAAGACAGCAGCGCATCCCCTCACCTTCCTGAGCCAGCATGGAGATAAAGGTGCAGATGA[A>G]CTCATCGTAGTTGTGGGTCCTTCTCTGGTCATCAATCTGTAGGAGAGAAGAAGACTGAGA-3'
Protein context (NP_004647.1, residues 664-684): DQRRTHNYDE[Phe674Leu]ICTFISMLAQ

ClinVar aggregate classification (germline): Uncertain significance (1 of 4 stars; one submission).

Conditions:
Hereditary cancer-predisposing syndrome. Also called: Neoplastic Syndromes, Hereditary; Tumor predisposition; Hereditary neoplastic syndrome; Hereditary Cancer Syndrome. Identifiers: Orphanet 140162, MedGen C0027672, MeSH D009386, MONDO:0015356.

Submission:

Ambry Genetics
Classification: Uncertain significance for Hereditary cancer-predisposing syndrome. Last evaluated: 2026-06-25. Review status: criteria provided, single submitter. Criteria: Ambry Variant Classification Scheme 2023. Collection method: clinical testing. Allele origin: germline.
Comment: The p.F674L variant (also known as c.2020T>C), located in coding exon 16 of the BAP1 gene, results from a T to C substitution at nucleotide position 2020. The phenylalanine at codon 674 is replaced by leucine, an amino acid with highly similar properties. This amino acid position is conserved. In addition, this alteration is predicted to be deleterious by in silico analysis. Based on the available evidence, the clinical significance of this variant remains unclear.